The following is an entry in ClinVar:

ClinVar aggregate classification (germline): Conflicting classifications of pathogenicity. Review status: criteria provided, conflicting classifications (1 of 4 stars). 2 submissions from 1 submitter: Uncertain significance (1); Benign (1). Last evaluated 2018-01-12.

Conditions:
3-Methylglutaconic aciduria type 3 (MGCA3). Also called: OPA3, AUTOSOMAL RECESSIVE; OPA3-Related 3-Methylglutaconic Aciduria; Costeff Syndrome; OPTIC ATROPHY 3, AUTOSOMAL RECESSIVE. Identifiers: Orphanet 67047, MedGen C0574084, MONDO:0009787, OMIM 258501.
Optic atrophy 3 (OPA3). Also called: OPTIC ATROPHY 3, AUTOSOMAL DOMINANT; Optic atrophy, cataract, and neurologic disorder; Optic atrophy 3 with cataract. Identifiers: Orphanet 67036, MedGen C1833809, MONDO:0008133, OMIM 165300.

Allele frequency attached by ClinVar (database versions not stated): gnomAD exomes 0.00001; TOPMed 0.00002; gnomAD 0.00003 and 0.00012; 1000 Genomes Project 0.00040.
gnomAD v4.1: 17 of 920,008 alleles (0.0018%); highest among the groups gnomAD compares: East Asian, 0.31%; no homozygotes.

Submissions (2):

Illumina Laboratory Services, Illumina
Classification: Benign for Optic atrophy 3. Last evaluated: 2018-01-12. Review status: criteria provided, single submitter. Criteria: ICSL Variant Classification Criteria 13 December 2019. Collection method: clinical testing. Allele origin: germline.
Comment: This variant was observed in the ICSL laboratory as part of a predisposition screen in an ostensibly healthy population. It had not been previously curated by ICSL or reported in the Human Gene Mutation Database (HGMD: prior to June 1st, 2018), and was therefore a candidate for classification through an automated scoring system. Utilizing variant allele frequency, disease prevalence and penetrance estimates, and inheritance mode, an automated score was calculated to assess if this variant is too frequent to cause the disease. Based on the score and internal cut-off values, a variant classified as benign is not then subjected to further curation. The score for this variant resulted in a classification of benign for this disease.

Illumina Laboratory Services, Illumina
Classification: Uncertain significance for 3-Methylglutaconic aciduria type 3. Last evaluated: 2018-01-12. Review status: criteria provided, single submitter. Criteria: ICSL Variant Classification Criteria 13 December 2019. Collection method: clinical testing. Allele origin: germline.

NM_025136.4(OPA3):c.*3128C>G

Genes: OPA3 (outer mitochondrial membrane lipid metabolism regulator OPA3; minus strand), OPA3-RTN2 (OPA3-RTN2 readthrough; minus strand). Cytogenetic location: 19q13.32.
Variant type: single nucleotide variant.
Coding change: c.*3128C>G on transcript NM_025136.4 (MANE Select); 3128 bases downstream of the stop codon, C replaced by G.
Molecular consequence: 3 prime UTR variant. On other transcripts: intron variant (1).
Genome position (GRCh38, 1-based): chr19:45,550,386, G>C on the plus strand (C>G on the coding strand, the complement: OPA3 is on the minus strand). VCF-style: chr19-45550386-G-C. GRCh37 (hg19) VCF-style: chr19-46053644-G-C.
Other names: c.143-20930C>G (NM_001017989.3).
Identifiers: ClinVar variation 894045 (VCV000894045.4), dbSNP rs143702010, ClinGen allele CA308956449.